The following is an entry in ClinVar:

ClinVar aggregate classification (germline): Uncertain significance (1 of 4 stars; one submission).

Conditions:
Lafora disease. Also called: Epilepsy progressive myoclonic 2; Progressive Myoclonus Epilepsy, Lafora Type. Identifiers: Orphanet 501, MedGen C0751783, MONDO:0009697.

Allele frequency attached by ClinVar (database versions not stated): gnomAD exomes below 0.00001; ExAC 0.00001.

Submission:

Labcorp Genetics (formerly Invitae), Labcorp
Classification: Uncertain significance for Lafora disease. Last evaluated: 2022-06-26. Review status: criteria provided, single submitter. Criteria: Invitae Variant Classification Sherloc (09022015). Collection method: clinical testing. Allele origin: germline.
Comment: This sequence change replaces valine, which is neutral and non-polar, with methionine, which is neutral and non-polar, at codon 294 of the NHLRC1 protein (p.Val294Met). This variant is present in population databases (rs756909945, gnomAD 0.003%). This variant has not been reported in the literature in individuals affected with NHLRC1-related conditions. Algorithms developed to predict the effect of missense changes on protein structure and function are either unavailable or do not agree on the potential impact of this missense change (SIFT: "Tolerated"; PolyPhen-2: "Possibly Damaging"; Align-GVGD: "Class C0"). In summary, the available evidence is currently insufficient to determine the role of this variant in disease. Therefore, it has been classified as a Variant of Uncertain Significance.

NM_198586.3(NHLRC1):c.880G>A (p.Val294Met)

Gene: NHLRC1 (NHL repeat containing E3 ubiquitin protein ligase 1; minus strand). Cytogenetic location: 6p22.3.
Variant type: single nucleotide variant.
Coding change: c.880G>A on transcript NM_198586.3 (MANE Select); coding-DNA position 880, G replaced by A.
Protein change: p.Val294Met; replaces valine 294 with methionine.
Molecular consequence: missense variant.
Genome position (GRCh38, 1-based): chr6:18,121,727, C>T on the plus strand (G>A on the coding strand, the complement: NHLRC1 is on the minus strand). VCF-style: chr6-18121727-C-T. GRCh37 (hg19) VCF-style: chr6-18121958-C-T.
Other names: short protein forms V294M.
Identifiers: ClinVar variation 2010803 (VCV002010803.4), dbSNP rs756909945, ClinGen allele CA3649909.
Genomic context (GRCh38, chr6:18,121,727, plus strand): 5'-GGCTCAGCCCAAAGGTATCCACTTGGCCGACAAGCTGCATACTTGAGCTAAACACTTTCA[C>T]CCTGGTGCTGCAAACCCCAGTCCCCAGGGCCAGGGGGTGCTCCAGGACCGCAATGGCCCC-3'
Protein context (NP_940988.2, residues 284-304): ALGTGVCSTR[Val294Met]KVFSSSMQLV